The following is an entry in ClinVar:

ClinVar aggregate classification (germline): Pathogenic. Review status: criteria provided, single submitter (1 of 4 stars). 2 submissions from 2 submitters: Pathogenic (1). 1 of the submissions does not count toward it. Last evaluated 2023-08-11.

Conditions:
GNE myopathy (NM). Also called: INCLUSION BODY MYOPATHY, HEREDITARY, AUTOSOMAL RECESSIVE; NONAKA DISTAL MYOPATHY; INCLUSION BODY MYOPATHY 2, AUTOSOMAL RECESSIVE; MYOPATHY, DISTAL, WITH OR WITHOUT RIMMED VACUOLES; IBM 2; Inclusion body myopathy autosomal recessive. Identifiers: Orphanet 602, MedGen C1853926, MONDO:0011603, OMIM 605820.
Sialuria. Also called: SIALURIA, FRENCH TYPE; Sialic Acid Storage Disease. Identifiers: Orphanet 3166, MedGen C0342853, MONDO:0010028, OMIM 269921.

Submissions (2):

Labcorp Genetics (formerly Invitae), Labcorp
Classification: Pathogenic for Sialuria; GNE myopathy. Last evaluated: 2023-08-11. Review status: criteria provided, single submitter. Criteria: Invitae Variant Classification Sherloc (09022015). Collection method: clinical testing. Allele origin: germline.
Comment: This variant, c.716_718del, results in the deletion of 1 amino acid(s) of the GNE protein (p.Asp239del), but otherwise preserves the integrity of the reading frame. This variant is not present in population databases (gnomAD no frequency). This variant has not been reported in the literature in individuals affected with GNE-related conditions. ClinVar contains an entry for this variant (Variation ID: 554694). This variant disrupts a region of the GNE protein in which other variant(s) (p.Asp239Asn) have been determined to be pathogenic (PMID: 23549799, 30467490). This suggests that this is a clinically significant region of the protein, and that variants that disrupt it are likely to be disease-causing. For these reasons, this variant has been classified as Pathogenic.

Counsyl
Classification: Uncertain significance for GNE myopathy. Last evaluated: 2017-11-07. Review status: no assertion criteria provided. Collection method: clinical testing. Allele origin: unknown. Not counted in ClinVar's aggregate classification.

Literature cited by the submitters: PubMed 23549799 (cited by Labcorp Genetics (formerly Invitae), Labcorp); PubMed 30467490 (cited by Labcorp Genetics (formerly Invitae), Labcorp).

NM_005476.7(GNE):c.620ATG[1] (p.Asp208del)

Gene: GNE (glucosamine (UDP-N-acetyl)-2-epimerase/N-acetylmannosamine kinase; minus strand). Cytogenetic location: 9p13.3.
Variant type: Microsatellite.
Coding change: c.620ATG[1] on transcript NM_005476.7 (MANE Select); one copy of the 3-base unit ATG starting at c.620; the reference has two copies in a row; one copy, 3 bases deleted.
Protein change: p.Asp208del; deletes aspartic acid 208.
Molecular consequence: inframe deletion. On other transcripts: intron variant (2).
Genome position (GRCh38, 1-based): chr9:36,236,976-36,236,978, CAT deleted on the plus strand (ATG on the coding strand, the reverse complement: GNE is on the minus strand); deleting any 3 consecutive bases within chr9:36,236,976-36,236,983 gives the same sequence; the position shown is the placement nearest the transcript's 3' end. VCF-style (leftmost placement, unchanged base first): chr9-36236975-ACAT-A. GRCh37 (hg19) VCF-style: chr9-36236972-ACAT-A.
Other names: c.617-2846_617-2844del (NM_001374797.1); c.620ATG[1], p.Asp208del (NM_001190383.3); c.443ATG[1], p.Asp149del (NM_001190388.2, NM_001374798.1); c.440-2846_440-2844del (NM_001190384.3); c.713ATG[1], p.Asp239del (NM_001128227.3); short protein forms D208del, D239del, D149del.
Identifiers: ClinVar variation 554694 (VCV000554694.5), dbSNP rs1554661574, ClinGen allele CA658822301.